The following is an entry in ClinVar:

ClinVar aggregate classification (germline): Conflicting classifications of pathogenicity. Review status: criteria provided, conflicting classifications (1 of 4 stars). 4 submissions from 4 submitters: Uncertain significance (1); Likely benign (3). Last evaluated 2025-12-30.

Conditions:
Xanthinuria type II. Also called: Xanthine dehydrogenase and aldehyde oxidase combined deficiency of; XDH and AOX dual deficiency. Identifiers: Orphanet 3467, Orphanet 93602, MedGen C1863688, MONDO:0011346, OMIM 603592.
XDH-related disorder. Also called: XDH-related condition.
Inborn genetic diseases. Identifiers: MedGen C0950123, MeSH D030342.

Allele frequency attached by ClinVar (database versions not stated): gnomAD exomes 0.00012 and 0.00037; ExAC 0.00045; gnomAD 0.00127 and 0.00131; TOPMed 0.00139; ESP Exome Variant Server 0.00185; 1000 Genomes Project 30x 0.00250; 1000 Genomes Project 0.00280.
gnomAD v4.1: 370 of 1,614,222 alleles (0.023%); highest among the groups gnomAD compares: African/African-American, 0.38%; no homozygotes.

Submissions (4):

Labcorp Genetics (formerly Invitae), Labcorp
Classification: Likely benign for Xanthinuria type II. Last evaluated: 2025-12-30. Review status: criteria provided, single submitter. Criteria: Invitae Variant Classification Sherloc (09022015). Collection method: clinical testing. Allele origin: germline.

Mayo Clinic Laboratories, Mayo Clinic
Classification: Likely benign. Last evaluated: 2025-12-14. Review status: criteria provided, single submitter. Criteria: ACMG Guidelines, 2015. Collection method: clinical testing. Allele origin: germline. Observed: 1 variant allele.
Comment: BS1, BP4

Ambry Genetics
Classification: Uncertain significance for Inborn genetic diseases. Last evaluated: 2025-10-22. Review status: criteria provided, single submitter. Criteria: Ambry Variant Classification Scheme 2023. Collection method: clinical testing. Allele origin: germline.

PreventionGenetics, part of Exact Sciences
Classification: Likely benign for XDH-related condition. Last evaluated: 2025-05-20. Review status: criteria provided, single submitter. Criteria: ACMG Guidelines, 2015. Collection method: clinical testing. Allele origin: germline.
Comment: This variant is classified as likely benign based on ACMG/AMP sequence variant interpretation guidelines (Richards et al. 2015 PMID: 25741868, with internal and published modifications).

NM_000379.4(XDH):c.1774G>A (p.Val592Met)

Gene: XDH (xanthine dehydrogenase; minus strand). Cytogenetic location: 2p23.1.
Variant type: single nucleotide variant.
Coding change: c.1774G>A on transcript NM_000379.4 (MANE Select); coding-DNA position 1774, G replaced by A.
Protein change: p.Val592Met; replaces valine 592 with methionine.
Molecular consequence: missense variant.
Genome position (GRCh38, 1-based): chr2:31,372,310, C>T on the plus strand (G>A on the coding strand, the complement: XDH is on the minus strand). VCF-style: chr2-31372310-C-T. GRCh37 (hg19) VCF-style: chr2-31595176-C-T.
Other names: p.Val592Met; short protein forms V592M.
Identifiers: ClinVar variation 785738 (VCV000785738.13), dbSNP rs141314828, ClinGen allele CA1599085.